The following is an entry in ClinVar:

ClinVar aggregate classification (germline): other (0 of 4 stars; one submission).

Conditions:
Familial colorectal cancer. Identifiers: MedGen CN280943, MONDO:0023113. Disease mechanism: loss of function.

Submission:

Systems Biology Platform Zhejiang California International NanoSystems Institute
Classification: other for Familial colorectal cancer. Review status: no assertion criteria provided. Collection method: not provided. Allele origin: unknown.
ClinVar note: Converted during submission from cancer to other.

NM_000038.6(APC):c.532-1968T>G

Gene: APC (APC regulator of WNT signaling pathway; plus strand). Cytogenetic location: 5q22.2.
Variant type: single nucleotide variant.
Coding change: c.532-1968T>G on transcript NM_000038.6 (MANE Select); 1968 bases into the intron before coding-DNA position 532, T replaced by G.
Molecular consequence: intron variant.
Genome position (GRCh38, 1-based): chr5:112,778,822, T>G. VCF-style: chr5-112778822-T-G. GRCh37 (hg19) VCF-style: chr5-112114519-T-G.
Other names: c.532-1968T>G (NM_001354895.2, NM_001127510.3, NM_001354896.2 and 2 more transcripts); c.562-1968T>G (NM_001354897.2, NM_001354902.2, NM_001127511.3); c.457-1968T>G (NM_001354898.2, NM_001354904.2); c.-504-1968T>G (NM_001354906.2); c.355-1968T>G (NM_001354900.2, NM_001354901.2, NM_001354905.2).
Identifiers: ClinVar variation 82432 (VCV000082432.2), dbSNP rs77504852, ClinGen allele CA010253.